The following is an entry in ClinVar:

ClinVar aggregate classification (germline): Uncertain significance (1 of 4 stars; one submission).

Conditions:
Cardiovascular phenotype. Identifiers: MedGen CN230736.

Submission:

Ambry Genetics
Classification: Uncertain significance for Cardiovascular phenotype. Last evaluated: 2023-11-26. Review status: criteria provided, single submitter. Criteria: Ambry Variant Classification Scheme 2023. Collection method: clinical testing. Allele origin: germline.
Comment: The p.P10S variant (also known as c.28C>T), located in coding exon 1 of the FOXE3 gene, results from a C to T substitution at nucleotide position 28. The proline at codon 10 is replaced by serine, an amino acid with similar properties. This amino acid position is conserved. In addition, this alteration is predicted to be tolerated by in silico analysis. Since supporting evidence is limited at this time, the clinical significance of this alteration remains unclear.

NM_012186.3(FOXE3):c.28C>T (p.Pro10Ser)

Genes: FOXE3 (forkhead box E3; plus strand), LINC01389 (long intergenic non-protein coding RNA 1389; minus strand). Cytogenetic location: 1p33.
Variant type: single nucleotide variant.
Coding change: c.28C>T on transcript NM_012186.3 (MANE Select); coding-DNA position 28, C replaced by T.
Protein change: p.Pro10Ser; replaces proline 10 with serine.
Molecular consequence: missense variant.
Genome position (GRCh38, 1-based): chr1:47,416,343, C>T. VCF-style: chr1-47416343-C-T. GRCh37 (hg19) VCF-style: chr1-47882015-C-T.
Other names: short protein forms P10S.
Identifiers: ClinVar variation 3226207 (VCV003226207.1), dbSNP rs2521314734, ClinGen allele CA340248889.